The following is an entry in ClinVar:

NM_133642.5(LARGE1):c.1169A>G (p.Lys390Arg)

Gene: LARGE1 (LARGE xylosyl- and glucuronyltransferase 1; minus strand). Cytogenetic location: 22q12.3.
Variant type: single nucleotide variant.
Coding change: c.1169A>G on transcript NM_133642.5 (MANE Select); coding-DNA position 1169, A replaced by G.
Protein change: p.Lys390Arg; replaces lysine 390 with arginine.
Molecular consequence: missense variant. On other transcripts: intron variant (2).
Genome position (GRCh38, 1-based): chr22:33,337,764, T>C on the plus strand (A>G on the coding strand, the complement: LARGE1 is on the minus strand). VCF-style: chr22-33337764-T-C. GRCh37 (hg19) VCF-style: chr22-33733750-T-C.
Other names: p.Lys390Arg; c.1169A>G, p.Lys390Arg (NM_001362949.2, NM_001362951.2, NM_001362953.2 and 6 more transcripts); c.566A>G, p.Lys189Arg (NM_001378630.1); c.1132-21516A>G (NM_001378629.1); c.529-21516A>G (NM_001378631.1); short protein forms K189R, K390R.
Identifiers: ClinVar variation 2683568 (VCV002683568.1), dbSNP rs1249636577, ClinGen allele CA411543828.

ClinVar aggregate classification (germline): Uncertain significance (1 of 4 stars; one submission).

Allele frequency attached by ClinVar (database versions not stated): gnomAD exomes below 0.00001; TOPMed 0.00001; gnomAD 0.00003.
gnomAD v4.1: 6 of 1,614,086 alleles (0.00037%); highest among the groups gnomAD compares: African/African-American, 0.0053%; no homozygotes.

Submission:

Mayo Clinic Laboratories, Mayo Clinic
Classification: Uncertain significance. Last evaluated: 2022-02-25. Review status: criteria provided, single submitter. Criteria: ACMG Guidelines, 2015. Collection method: clinical testing. Allele origin: germline. Observed: 1 variant allele.
Comment: BP4